The following is an entry in ClinVar:

NM_004714.3(DYRK1B):c.1252G>A (p.Ala418Thr)

Gene: DYRK1B (dual specificity tyrosine phosphorylation regulated kinase 1B; minus strand). Cytogenetic location: 19q13.2.
Variant type: single nucleotide variant.
Coding change: c.1252G>A on transcript NM_004714.3 (MANE Select); coding-DNA position 1252, G replaced by A.
Protein change: p.Ala418Thr; replaces alanine 418 with threonine.
Molecular consequence: missense variant.
Genome position (GRCh38, 1-based): chr19:39,826,831, C>T on the plus strand (G>A on the coding strand, the complement: DYRK1B is on the minus strand). VCF-style: chr19-39826831-C-T. GRCh37 (hg19) VCF-style: chr19-40317471-C-T.
Other names: c.1252G>A (NM_004714.2); c.1132G>A, p.Ala378Thr (NM_006483.3); c.1168G>A, p.Ala390Thr (NM_006484.3); short protein forms A418T, A390T, A378T.
Identifiers: ClinVar variation 2722647 (VCV002722647.6), dbSNP rs370270909, ClinGen allele CA9434104.

ClinVar aggregate classification (germline): Likely benign. Review status: criteria provided, multiple submitters, no conflicts (2 of 4 stars). 3 submissions from 3 submitters: Likely benign (2). 1 of the submissions does not count toward it. Last evaluated 2024-07-30.

Conditions:
DYRK1B-related disorder. Also called: DYRK1B-related condition.

Allele frequency attached by ClinVar (database versions not stated): ESP Exome Variant Server 0.00009; ExAC 0.00020; gnomAD 0.00021; TOPMed 0.00026; 1000 Genomes Project 0.00040; 1000 Genomes Project 30x 0.00047.
gnomAD v4.1: 199 of 1,489,418 alleles (0.013%); highest among the groups gnomAD compares: Admixed American, 0.054%; no homozygotes.

Submissions (3):

Blueprint Genetics
Classification: Likely benign. Last evaluated: 2024-07-30. Review status: criteria provided, single submitter. Criteria: ACMG Guidelines, 2015. Collection method: clinical testing. Allele origin: germline.

Labcorp Genetics (formerly Invitae), Labcorp
Classification: Likely benign. Last evaluated: 2023-11-22. Review status: criteria provided, single submitter. Criteria: Invitae Variant Classification Sherloc (09022015). Collection method: clinical testing. Allele origin: germline.

PreventionGenetics, part of Exact Sciences
Classification: Likely benign for DYRK1B-related condition. Last evaluated: 2022-01-31. Review status: no assertion criteria provided. Collection method: clinical testing. Allele origin: germline. Not counted in ClinVar's aggregate classification.
Comment: This variant is classified as likely benign based on ACMG/AMP sequence variant interpretation guidelines (Richards et al. 2015 PMID: 25741868, with internal and published modifications).